The following is an entry in ClinVar:

ClinVar aggregate classification (germline): Uncertain significance (1 of 4 stars; one submission).

Submission:

Labcorp Genetics (formerly Invitae), Labcorp
Classification: Uncertain significance. Last evaluated: 2024-08-06. Review status: criteria provided, single submitter. Criteria: Invitae Variant Classification Sherloc (09022015). Collection method: clinical testing. Allele origin: germline.
Comment: This variant, c.14458_14505del, results in the deletion of 16 amino acid(s) of the USH2A protein (p.Ala4820_Pro4835del), but otherwise preserves the integrity of the reading frame. This variant is not present in population databases (gnomAD no frequency). This variant has been observed in individual(s) with USH2A-related conditions (PMID: 25472526; Invitae). Experimental studies and prediction algorithms are not available or were not evaluated, and the functional significance of this variant is currently unknown. In summary, the available evidence is currently insufficient to determine the role of this variant in disease. Therefore, it has been classified as a Variant of Uncertain Significance.

Literature cited by the submitters: PubMed 25472526.

NM_206933.4(USH2A):c.14458_14505del (p.Ala4820_Pro4835del)

Gene: USH2A (usherin; minus strand). Cytogenetic location: 1q41.
Variant type: Deletion.
Coding change: c.14458_14505del on transcript NM_206933.4 (MANE Select); coding-DNA positions 14458 to 14505, 48 bases deleted.
Protein change: p.Ala4820_Pro4835del.
Genome position (GRCh38, 1-based): chr1:215,648,605-215,648,652, 48 bases deleted; deleting any 48 consecutive bases within chr1:215,648,605-215,648,654 gives the same sequence; the c. name uses the placement nearest the transcript's 3' end. GRCh37 (hg19): chr1:215,821,949-215,821,996.
Identifiers: ClinVar variation 3705329 (VCV003705329.2).
Genomic context (GRCh38, chr1:215,648,604, plus strand): 5'-TGGGGAACATGGGGGGACTCCACCGGAAGGAGGCCGTCCTTGAGGCCAGCGTCCCGATTT[GTGGAGAGGACAGTCCTGAGGGTGGGGCAGGATGGGTTCTCAGTTCAGC>G]TGTCGGTCCTTTGCTGCAACAGTTGAAGCAGGTGCAGGCCTCTACTCCAATAGAGTAGTT-3'